The following is an entry in ClinVar:

NM_000053.4(ATP7B):c.3692_3693insT (p.Thr1232fs)

Gene: ATP7B (ATPase copper transporting beta; minus strand). Cytogenetic location: 13q14.3.
Variant type: Insertion.
Coding change: c.3692_3693insT on transcript NM_000053.4 (MANE Select); coding-DNA positions 3692 to 3693, T inserted.
Protein change: p.Thr1232fs; shifts the reading frame from threonine 1232.
Molecular consequence: frameshift variant.
Genome position: GRCh38 VCF-style: chr13-51939057-G-GA. GRCh37 (hg19) VCF-style: chr13-52513193-G-GA.
Other names: c.3509_3510insT, p.Thr1171fs (NM_001406523.1); c.3515_3516insT, p.Thr1173fs (NM_001406524.1); c.3497_3498insT, p.Thr1167fs (NM_001406525.1); c.3692_3693insT, p.Thr1232fs (NM_001406526.1, NM_001406511.1, NM_001406512.1); c.3458_3459insT, p.Thr1154fs (NM_001406527.1, NM_001406528.1, NM_001330578.2); c.3452_3453insT, p.Thr1152fs (NM_001406530.1); c.3440_3441insT, p.Thr1148fs (NM_001406531.1, NM_001406532.1, NM_001330579.2); c.3404_3405insT, p.Thr1136fs (NM_001406534.1); and 20 more; short protein forms T1005fs, T1016fs, T1025fs, T1038fs, T1068fs, T1070fs, T1083fs, T1089fs.
Identifiers: ClinVar variation 3387403 (VCV003387403.1).

ClinVar aggregate classification (germline): Pathogenic (1 of 4 stars; one submission).

Conditions:
Wilson disease (WND). Also called: Wilson's disease. Identifiers: Orphanet 905, MedGen C0019202, MONDO:0010200, OMIM 277900. Disease mechanism: loss of function.

Submission:

All of Us Research Program, National Institutes of Health
Classification: Pathogenic for Wilson disease. Last evaluated: 2024-10-02. Review status: criteria provided, single submitter. Criteria: ACMG Guidelines, 2015. Collection method: clinical testing. Allele origin: germline. Inheritance: Autosomal recessive inheritance. Observed: 1 variant allele, 1 heterozygote.
Comment: This variant inserts 1 nucleotide in exon 17 of the ATP7B gene, creating a frameshift and premature translation stop signal. This variant is expected to result in an absent or non-functional protein product. To our knowledge, this variant has not been reported in individuals affected with Wilson disease in the literature. This variant has not been identified in the general population by the Genome Aggregation Database (gnomAD). Loss of ATP7B function is a known mechanism of disease. Based on the available evidence, this variant is classified as Pathogenic.

This study involves interpretation of variants in research participants for the purpose of population health screening. Participant phenotype was not available at the time of variant classification. Additional details can be found in publication PMID: 35346344, PMCID: PMC8962531